The following is an entry in ClinVar:

NM_201384.3(PLEC):c.4028G>A (p.Arg1343His)

Gene: PLEC (plectin; minus strand). Cytogenetic location: 8q24.3.
Variant type: single nucleotide variant.
Coding change: c.4028G>A on transcript NM_201384.3 (MANE Select); coding-DNA position 4028, G replaced by A.
Protein change: p.Arg1343His; replaces arginine 1343 with histidine.
Molecular consequence: missense variant.
Genome position (GRCh38, 1-based): chr8:143,926,800, C>T on the plus strand (G>A on the coding strand, the complement: PLEC is on the minus strand). VCF-style: chr8-143926800-C-T. GRCh37 (hg19) VCF-style: chr8-145000968-C-T.
Other names: c.4109G>A, p.Arg1370His (NM_000445.5); c.3986G>A, p.Arg1329His (NM_201378.4); c.3962G>A, p.Arg1321His (NM_201379.3); c.4439G>A, p.Arg1480His (NM_201380.4); c.3932G>A, p.Arg1311His (NM_201381.3); c.4028G>A, p.Arg1343His (NM_201382.4); c.4040G>A, p.Arg1347His (NM_201383.3); short protein forms R1311H, R1321H, R1329H, R1343H, R1347H, R1370H, R1480H.
Identifiers: ClinVar variation 196662 (VCV000196662.12), dbSNP rs371776565, ClinGen allele CA243712.
Genomic context (GRCh38, chr8:143,926,800, plus strand): 5'-GTGAGATGGAACCCTCTGCCCAGCCTCCGCCCAACGGGCTGTACCTCCTCCTCCTCCATG[C>T]GCCGCAGAGTCTCGCTGATGAACTTGATGTACTGGCTCGTCAGTGTGGTCAGCTCGCTGT-3'
Protein context (NP_958786.1, residues 1333-1353): YIKFISETLR[Arg1343His]MEEEERLAEQ

ClinVar aggregate classification (germline): Uncertain significance. Review status: criteria provided, multiple submitters, no conflicts (2 of 4 stars). 3 submissions from 3 submitters: Uncertain significance (3). Last evaluated 2025-08-30.

Conditions:
Epidermolysis bullosa simplex with nail dystrophy (EBS5D). Identifiers: MedGen C4225309, MONDO:0014661, OMIM 616487.
Epidermolysis bullosa simplex 5B, with muscular dystrophy (EBS5B). Also called: Epidermolysis bullosa simplex with muscular dystrophy; EPIDERMOLYSIS BULLOSA SIMPLEX AND LIMB-GIRDLE MUSCULAR DYSTROPHY. Identifiers: Orphanet 257, MedGen C2931072, MONDO:0009181, OMIM 226670.
Autosomal recessive limb-girdle muscular dystrophy type 2Q (LGMDR17). Also called: MUSCULAR DYSTROPHY, LIMB-GIRDLE, AUTOSOMAL RECESSIVE 17. Identifiers: Orphanet 254361, MedGen C3150989, MONDO:0013390, OMIM 613723.
Epidermolysis bullosa simplex 5C, with pyloric atresia (EBS5C). Also called: PLEC1-Related Epidermolysis Bullosa with Pyloric Atresia; PLEC-Related Epidermolysis Bullosa with Pyloric Atresia; Epidermolysis bullosa simplex with pyloric atresia. Identifiers: Orphanet 158684, MedGen C2677349, MONDO:0012807, OMIM 612138.
Epidermolysis bullosa simplex, Ogna type (EBS5A). Also called: EPIDERMOLYSIS BULLOSA SIMPLEX 5A, OGNA TYPE; Pidermolysis bullosa simplex 5A, Ogna type. Identifiers: Orphanet 79401, MedGen C0432317, MONDO:0007555, OMIM 131950.

Allele frequency attached by ClinVar (database versions not stated): gnomAD 0.00001 and 0.00002; TOPMed 0.00002; ESP Exome Variant Server 0.00008; ExAC 0.00013.
gnomAD v4.1: 104 of 1,613,436 alleles (0.0064%); highest among the groups gnomAD compares: South Asian, 0.059%; no homozygotes.

Submissions (3):

Labcorp Genetics (formerly Invitae), Labcorp
Classification: Uncertain significance for Autosomal recessive limb-girdle muscular dystrophy type 2Q; Epidermolysis bullosa simplex, Ogna type; Epidermolysis bullosa simplex with nail dystrophy; Epidermolysis bullosa simplex 5C, with pyloric atresia; Epidermolysis bullosa simplex 5B, with muscular dystrophy. Last evaluated: 2025-08-30. Review status: criteria provided, single submitter. Criteria: Invitae Variant Classification Sherloc (09022015). Collection method: clinical testing. Allele origin: germline.
Comment: This sequence change replaces arginine, which is basic and polar, with histidine, which is basic and polar, at codon 1370 of the PLEC protein (p.Arg1370His). This variant is present in population databases (rs371776565, gnomAD 0.06%). This variant has not been reported in the literature in individuals affected with PLEC-related conditions. ClinVar contains an entry for this variant (Variation ID: 196662). Invitae Evidence Modeling of protein sequence and biophysical properties (such as structural, functional, and spatial information, amino acid conservation, physicochemical variation, residue mobility, and thermodynamic stability) indicates that this missense variant is expected to disrupt PLEC protein function with a positive predictive value of 80%. In summary, the available evidence is currently insufficient to determine the role of this variant in disease. Therefore, it has been classified as a Variant of Uncertain Significance.

Blueprint Genetics
Classification: Uncertain significance. Last evaluated: 2022-08-22. Review status: criteria provided, single submitter. Criteria: ACMG Guidelines, 2015. Collection method: clinical testing. Allele origin: germline.

Eurofins Ntd Llc (ga)
Classification: Uncertain significance. Last evaluated: 2017-05-12. Review status: criteria provided, single submitter. Criteria: EGL Classification Definitions 2015. Collection method: clinical testing. Allele origin: germline. Observed: 3 variant alleles, 3 heterozygotes.